The following is an entry in ClinVar:

NM_001042702.5(PJVK):c.547C>T (p.Arg183Trp)

Gene: PJVK (pejvakin; plus strand). Cytogenetic location: 2q31.2.
Variant type: single nucleotide variant.
Coding change: c.547C>T on transcript NM_001042702.5 (MANE Select); coding-DNA position 547, C replaced by T.
Protein change: p.Arg183Trp; replaces arginine 183 with tryptophan.
Molecular consequence: missense variant.
Genome position (GRCh38, 1-based): chr2:178,456,149, C>T. VCF-style: chr2-178456149-C-T. GRCh37 (hg19) VCF-style: chr2-179320876-C-T.
Other names: c.547C>T (NM_001042702.3); c.556C>T, p.Arg186Trp (NM_001353775.2); c.652C>T, p.Arg218Trp (NM_001353776.2); c.70C>T, p.Arg24Trp (NM_001353777.1, NM_001353778.2); c.547C>T, p.Arg183Trp (NM_001369912.1); short protein forms R183W, R186W, R218W, R24W.
Identifiers: ClinVar variation 1297 (VCV000001297.35), dbSNP rs111706634, ClinGen allele CA251743.

ClinVar aggregate classification (germline): Pathogenic/Likely pathogenic. Review status: criteria provided, multiple submitters, no conflicts (2 of 4 stars). 7 submissions from 7 submitters: Pathogenic (5); Likely pathogenic (1). 1 of the submissions does not count toward it. Last evaluated 2026-02-13.

Conditions:
Autosomal recessive nonsyndromic hearing loss 59. Identifiers: Orphanet 90636, MedGen C1857744, MONDO:0012445, OMIM 610220.
Ear malformation. Also called: CUP EAR; Abnormality of the ear. Identifiers: MedGen C0266589, MONDO:0007500, OMIM 128600, HP:0000598.

Allele frequency attached by ClinVar (database versions not stated): gnomAD 0.00001; TOPMed 0.00001.
gnomAD v4.1: 12 of 1,613,576 alleles (0.00074%); highest among the groups gnomAD compares: Admixed American, 0.0017%; no homozygotes.

Submissions (7):

OLLIN Analises Genomicas, OLLIN
Classification: Likely pathogenic for Autosomal recessive nonsyndromic hearing loss 59. Last evaluated: 2026-02-13. Review status: criteria provided, single submitter. Criteria: ACMG Guidelines 2015 PMID 25741868. Collection method: clinical testing. Allele origin: germline. Observed: 1 variant allele.
Comment: PS3, PM3, PM2_P, PP1, PP3

GeneDx
Classification: Pathogenic. Last evaluated: 2025-06-03. Review status: criteria provided, single submitter. Criteria: GeneDx Variant Classification Process June 2021. Collection method: clinical testing. Allele origin: germline. Affected: yes.
Comment: Published functional studies demonstrate a damaging effect resulting in conduction anomalies and reduced amplitudes of ABR waves compared to wildtype (PMID: 16804542); Not observed at significant frequency in large population cohorts (gnomAD); In silico analysis supports that this missense variant has a deleterious effect on protein structure/function; In silico analysis supports a deleterious effect on splicing; This variant is associated with the following publications: (PMID: 27344577, 30582396, 17373699, 34426522, 35052489, 16804542, 35982127, 38374194)

Women's Health and Genetics/Laboratory Corporation of America, LabCorp
Classification: Pathogenic for Autosomal recessive nonsyndromic hearing loss 59. Last evaluated: 2024-09-16. Review status: criteria provided, single submitter. Criteria: LabCorp Variant Classification Summary - May 2015. Collection method: clinical testing. Allele origin: germline.
Comment: Variant summary: PJVK c.547C>T (p.Arg183Trp) results in a non-conservative amino acid change located in the Gasdermin, pore forming domain of the encoded protein sequence. Four of five in-silico tools predict a damaging effect of the variant on protein function. Several computational tools predict a significant impact on normal splicing: Three predict the variant abolishes a canonical 5' splicing donor site. Three predict the variant creates a cryptic 5' donor site. The variant allele was found at a frequency of 7.1e-06 in 280146 control chromosomes. c.547C>T has been reported in the literature in multiple individuals affected with Auditory neuropathy (example: Delmaghani_2006). These data indicate that the variant is very likely to be associated with disease. At least one publication reports experimental studies that this missense change affects protein function (example: Delmaghani_2006). The following publication has been ascertained in the context of this evaluation (PMID: 16804542).ClinVar contains an entry for this variant (Variation ID: 1297). Based on the evidence outlined above, the variant was classified as pathogenic.

Labcorp Genetics (formerly Invitae), Labcorp
Classification: Pathogenic. Last evaluated: 2024-04-05. Review status: criteria provided, single submitter. Criteria: Invitae Variant Classification Sherloc (09022015). Collection method: clinical testing. Allele origin: germline.
Comment: This sequence change replaces arginine, which is basic and polar, with tryptophan, which is neutral and slightly polar, at codon 183 of the DFNB59 protein (p.Arg183Trp). The frequency data for this variant in the population databases is considered unreliable, as metrics indicate poor data quality at this position in the gnomAD database. This missense change has been observed in individual(s) with autosomal recessive deafness (PMID: 16804542, 17373699, 27344577). It has also been observed to segregate with disease in related individuals. ClinVar contains an entry for this variant (Variation ID: 1297). An algorithm developed to predict the effect of missense changes on protein structure and function (PolyPhen-2) suggests that this variant is likely to be disruptive. Experimental studies have shown that this missense change affects DFNB59 function (PMID: 16804542). Algorithms developed to predict the effect of sequence changes on RNA splicing suggest that this variant may disrupt the consensus splice site. For these reasons, this variant has been classified as Pathogenic.

Kariminejad - Najmabadi Pathology & Genetics Center
Classification: Pathogenic for Ear malformation. Last evaluated: 2021-07-10. Review status: criteria provided, single submitter. Criteria: ACMG Guidelines, 2015. Collection method: clinical testing. Allele origin: germline. Affected: yes.

Institute of Medical Genetics and Applied Genomics, University Hospital Tübingen
Classification: Pathogenic. Last evaluated: 2020-10-23. Review status: criteria provided, single submitter. Criteria: ACMG Guidelines, 2015. Collection method: clinical testing. Allele origin: germline. Inheritance: Unknown mechanism. Affected: yes.

OMIM
Classification: Pathogenic for DEAFNESS, AUTOSOMAL RECESSIVE 59. Last evaluated: 2007-07-01. Review status: no assertion criteria provided. Collection method: literature only. Allele origin: germline. Not counted in ClinVar's aggregate classification.

Literature cited by the submitters: PubMed 16804542 (cited by 3 submitters); PubMed 17373699 (cited by Labcorp Genetics (formerly Invitae), Labcorp and OMIM); PubMed 27344577 (cited by Labcorp Genetics (formerly Invitae), Labcorp).